The following is an entry in ClinVar:

NM_001146.5(ANGPT1):c.1186A>C (p.Asn396His)

Gene: ANGPT1 (angiopoietin 1; minus strand). Cytogenetic location: 8q23.1.
Variant type: single nucleotide variant.
Coding change: c.1186A>C on transcript NM_001146.5 (MANE Select); coding-DNA position 1186, A replaced by C.
Protein change: p.Asn396His; replaces asparagine 396 with histidine.
Molecular consequence: missense variant.
Genome position (GRCh38, 1-based): chr8:107,284,701, T>G on the plus strand (A>C on the coding strand, the complement: ANGPT1 is on the minus strand). VCF-style: chr8-107284701-T-G. GRCh37 (hg19) VCF-style: chr8-108296929-T-G.
Other names: c.1183A>C, p.Asn395His (NM_001199859.3); c.586A>C, p.Asn196His (NM_001314051.2); short protein forms N396H, N196H, N395H.
Identifiers: ClinVar variation 2841351 (VCV002841351.3), dbSNP rs1431512891, ClinGen allele CA372032584.

ClinVar aggregate classification (germline): Uncertain significance (1 of 4 stars; one submission).

Allele frequency attached by ClinVar (database versions not stated): gnomAD exomes below 0.00001.
gnomAD v4.1: 1 of 1,576,156 alleles (0.000063%); highest among the groups gnomAD compares: South Asian, 0.0012%; no homozygotes.

Submission:

Labcorp Genetics (formerly Invitae), Labcorp
Classification: Uncertain significance. Last evaluated: 2023-02-27. Review status: criteria provided, single submitter. Criteria: Invitae Variant Classification Sherloc (09022015). Collection method: clinical testing. Allele origin: germline.
Comment: In summary, the available evidence is currently insufficient to determine the role of this variant in disease. Therefore, it has been classified as a Variant of Uncertain Significance. This sequence change replaces asparagine, which is neutral and polar, with histidine, which is basic and polar, at codon 396 of the ANGPT1 protein (p.Asn396His). This variant is present in population databases (no rsID available, gnomAD 0.003%). This variant has not been reported in the literature in individuals affected with ANGPT1-related conditions. An algorithm developed to predict the effect of missense changes on protein structure and function (PolyPhen-2) suggests that this variant is likely to be disruptive.